The following is an entry in ClinVar:

NM_000369.5(TSHR):c.1868C>T (p.Ala623Val)

Genes: TSHR (thyroid stimulating hormone receptor; plus strand), TSHR-AS1 (TSHR antisense RNA 1; minus strand). Cytogenetic location: 14q31.1.
Variant type: single nucleotide variant.
Coding change: c.1868C>T on transcript NM_000369.5 (MANE Select); coding-DNA position 1868, C replaced by T.
Protein change: p.Ala623Val; replaces alanine 623 with valine.
Molecular consequence: missense variant.
Genome position (GRCh38, 1-based): chr14:81,143,926, C>T. VCF-style: chr14-81143926-C-T. GRCh37 (hg19) VCF-style: chr14-81610270-C-T.
Other names: short protein forms A623V.
Identifiers: ClinVar variation 3370841 (VCV003370841.1).

ClinVar aggregate classification (germline): Pathogenic (1 of 4 stars; one submission).

Submission:

GeneDx
Classification: Pathogenic. Last evaluated: 2024-04-29. Review status: criteria provided, single submitter. Criteria: GeneDx Variant Classification Process June 2021. Collection method: clinical testing. Allele origin: germline. Affected: yes.
Comment: Published functional studies demonstrate an increase in basal activity and accumulation of cAMP (PMID: 18850313); Reported in two siblings and with congenital hyperthyroidism and their similarly affected mother (PMID: 8981019); Not observed at significant frequency in large population cohorts (gnomAD); In silico analysis supports that this missense variant has a deleterious effect on protein structure/function; This variant is associated with the following publications: (PMID: 8981019, 18850313, 21274318)